The following is an entry in ClinVar:

ClinVar aggregate classification (germline): Uncertain significance (1 of 4 stars; one submission).

Conditions:
Loeys-Dietz syndrome 4 (LDS4). Also called: ANEURYSM, AORTIC AND CEREBRAL, WITH ARTERIAL TORTUOSITY AND SKELETAL MANIFESTATIONS; TGFB2-Related Loeys-Dietz Syndrome. Identifiers: MedGen C3553762, MONDO:0013897, OMIM 614816.

gnomAD v4.1: 1 of 1,612,972 alleles (0.000062%); no homozygotes.

Submission:

Labcorp Genetics (formerly Invitae), Labcorp
Classification: Uncertain significance for Loeys-Dietz syndrome 4. Last evaluated: 2024-04-26. Review status: criteria provided, single submitter. Criteria: Invitae Variant Classification Sherloc (09022015). Collection method: clinical testing. Allele origin: germline.
Comment: This sequence change replaces arginine, which is basic and polar, with lysine, which is basic and polar, at codon 328 of the TGFB2 protein (p.Arg328Lys). This variant is present in population databases (rs758704356, gnomAD 0.01%). This variant has not been reported in the literature in individuals affected with TGFB2-related conditions. Advanced modeling of protein sequence and biophysical properties (such as structural, functional, and spatial information, amino acid conservation, physicochemical variation, residue mobility, and thermodynamic stability) performed at Invitae indicates that this missense variant is not expected to disrupt TGFB2 protein function with a negative predictive value of 95%. In summary, the available evidence is currently insufficient to determine the role of this variant in disease. Therefore, it has been classified as a Variant of Uncertain Significance.

NM_003238.6(TGFB2):c.983G>A (p.Arg328Lys)

Gene: TGFB2 (transforming growth factor beta 2; plus strand). Cytogenetic location: 1q41.
Variant type: single nucleotide variant.
Coding change: c.983G>A on transcript NM_003238.6 (MANE Select); coding-DNA position 983, G replaced by A.
Protein change: p.Arg328Lys; replaces arginine 328 with lysine.
Molecular consequence: missense variant. On other transcripts: non-coding transcript variant (2).
Genome position (GRCh38, 1-based): chr1:218,437,393, G>A. VCF-style: chr1-218437393-G-A. GRCh37 (hg19) VCF-style: chr1-218610735-G-A.
Other names: c.1067G>A, p.Arg356Lys (NM_001135599.4); short protein forms R328K, R356K.
Identifiers: ClinVar variation 3633771 (VCV003633771.2).